The following is an entry in ClinVar:

NM_006831.3(CLP1):c.49C>A (p.Leu17Ile)

Gene: CLP1 (cleavage factor polyribonucleotide kinase subunit 1; plus strand). Cytogenetic location: 11q12.1.
Variant type: single nucleotide variant.
Coding change: c.49C>A on transcript NM_006831.3 (MANE Select); coding-DNA position 49, C replaced by A.
Protein change: p.Leu17Ile; replaces leucine 17 with isoleucine.
Molecular consequence: missense variant.
Genome position (GRCh38, 1-based): chr11:57,659,525, C>A. VCF-style: chr11-57659525-C-A. GRCh37 (hg19) VCF-style: chr11-57426997-C-A.
Other names: c.49C>A, p.Leu17Ile (NM_001142597.2); short protein forms L17I.
Identifiers: ClinVar variation 2845837 (VCV002845837.3), dbSNP rs2495517065, ClinGen allele CA380696027.

ClinVar aggregate classification (germline): Uncertain significance (1 of 4 stars; one submission).

Submission:

Labcorp Genetics (formerly Invitae), Labcorp
Classification: Uncertain significance. Last evaluated: 2023-04-03. Review status: criteria provided, single submitter. Criteria: Invitae Variant Classification Sherloc (09022015). Collection method: clinical testing. Allele origin: germline.
Comment: This sequence change replaces leucine, which is neutral and non-polar, with isoleucine, which is neutral and non-polar, at codon 17 of the CLP1 protein (p.Leu17Ile). This variant is not present in population databases (gnomAD no frequency). This variant has not been reported in the literature in individuals affected with CLP1-related conditions. An algorithm developed to predict the effect of missense changes on protein structure and function (PolyPhen-2) suggests that this variant is likely to be disruptive. In summary, the available evidence is currently insufficient to determine the role of this variant in disease. Therefore, it has been classified as a Variant of Uncertain Significance.